The following is an entry in ClinVar:

ClinVar aggregate classification (germline): Uncertain significance. Review status: criteria provided, multiple submitters, no conflicts (2 of 4 stars). 2 submissions from 2 submitters: Uncertain significance (2). Last evaluated 2023-06-08.

Conditions:
Retinoblastoma (RB1). Also called: RETINOBLASTOMA, SOMATIC. Identifiers: Orphanet 790, MedGen C0035335, MeSH D012175, MONDO:0008380, OMIM 180200, HP:0009919. Disease mechanism: loss of function. Inheritance: Both sporadic and heritable forms are tested..

Allele frequency attached by ClinVar (database versions not stated): gnomAD exomes below 0.00001; ExAC 0.00001.
gnomAD v4.1: 4 of 1,613,606 alleles (0.00025%); highest among the groups gnomAD compares: Admixed American, 0.0017%; no homozygotes.

Submissions (2):

All of Us Research Program, National Institutes of Health
Classification: Uncertain significance for Retinoblastoma. Last evaluated: 2023-06-08. Review status: criteria provided, single submitter. Criteria: ACMG Guidelines, 2015. Collection method: clinical testing. Allele origin: germline. Inheritance: Autosomal dominant inheritance. Observed: 1 variant allele, 1 heterozygote.
Comment: This missense variant replaces histidine with tyrosine at codon 555 of the RB1 protein. Computational prediction is inconclusive regarding the impact of this variant on protein structure and function (internally defined REVEL score threshold 0.5 < inconclusive < 0.7, PMID: 27666373). To our knowledge, functional studies have not been reported for this variant. This variant has not been reported in individuals affected with RB1-related disorders in the literature. This variant has been identified in 1/250532 chromosomes in the general population by the Genome Aggregation Database (gnomAD). The available evidence is insufficient to determine the role of this variant in disease conclusively. Therefore, this variant is classified as a Variant of Uncertain Significance.

This study involves interpretation of variants in research participants for the purpose of population health screening. Participant phenotype was not available at the time of variant classification. Additional details can be found in publication PMID: 35346344, PMCID: PMC8962531

Labcorp Genetics (formerly Invitae), Labcorp
Classification: Uncertain significance for Retinoblastoma. Last evaluated: 2021-01-12. Review status: criteria provided, single submitter. Criteria: Invitae Variant Classification Sherloc (09022015). Collection method: clinical testing. Allele origin: germline.
Comment: In summary, the available evidence is currently insufficient to determine the role of this variant in disease. Therefore, it has been classified as a Variant of Uncertain Significance. Algorithms developed to predict the effect of missense changes on protein structure and function are either unavailable or do not agree on the potential impact of this missense change (SIFT: "Deleterious"; PolyPhen-2: "Probably Damaging"; Align-GVGD: "Class C15"). This variant has not been reported in the literature in individuals with RB1-related conditions. This variant is present in population databases (rs772222746, ExAC 0.009%). This sequence change replaces histidine with tyrosine at codon 555 of the RB1 protein (p.His555Tyr). The histidine residue is highly conserved and there is a moderate physicochemical difference between histidine and tyrosine.

NM_000321.3(RB1):c.1663C>T (p.His555Tyr)

Gene: RB1 (RB transcriptional corepressor 1; plus strand). Cytogenetic location: 13q14.2.
Variant type: single nucleotide variant.
Coding change: c.1663C>T on transcript NM_000321.3 (MANE Select); coding-DNA position 1663, C replaced by T.
Protein change: p.His555Tyr; replaces histidine 555 with tyrosine.
Molecular consequence: missense variant.
Genome position (GRCh38, 1-based): chr13:48,381,411, C>T. VCF-style: chr13-48381411-C-T. GRCh37 (hg19) VCF-style: chr13-48955547-C-T.
Other names: short protein forms H555Y.
Identifiers: ClinVar variation 1430813 (VCV001430813.9), dbSNP rs772222746, ClinGen allele CA029262.